The following is an entry in ClinVar:

NM_015338.6(ASXL1):c.3107A>G (p.Asn1036Ser)

Gene: ASXL1 (ASXL transcriptional regulator 1; plus strand). Cytogenetic location: 20q11.21.
Variant type: single nucleotide variant.
Coding change: c.3107A>G on transcript NM_015338.6 (MANE Select); coding-DNA position 3107, A replaced by G.
Protein change: p.Asn1036Ser; replaces asparagine 1036 with serine.
Molecular consequence: missense variant.
Genome position (GRCh38, 1-based): chr20:32,435,819, A>G. VCF-style: chr20-32435819-A-G. GRCh37 (hg19) VCF-style: chr20-31023622-A-G.
Other names: c.2924A>G, p.Asn975Ser (NM_001363734.1); short protein forms N1036S, N975S.
Identifiers: ClinVar variation 4749014 (VCV004749014.2).

ClinVar aggregate classification (germline): Conflicting classifications of pathogenicity. Review status: criteria provided, conflicting classifications (1 of 4 stars). 2 submissions from 2 submitters: Uncertain significance (1); Likely benign (1). Last evaluated 2025-03-28.

gnomAD v4.1: 24 of 1,614,042 alleles (0.0015%); highest among the groups gnomAD compares: South Asian, 0.0044%; no homozygotes.

Submissions (2):

Labcorp Genetics (formerly Invitae), Labcorp
Classification: Uncertain significance. Last evaluated: 2025-03-28. Review status: criteria provided, single submitter. Criteria: Invitae Variant Classification Sherloc (09022015). Collection method: clinical testing. Allele origin: germline.
Comment: This sequence change replaces asparagine, which is neutral and polar, with serine, which is neutral and polar, at codon 1036 of the ASXL1 protein (p.Asn1036Ser). This variant is present in population databases (rs757758145, gnomAD 0.004%). This variant has not been reported in the literature in individuals affected with ASXL1-related conditions. An algorithm developed to predict the effect of missense changes on protein structure and function outputs the following: PolyPhen-2: "Benign". The serine amino acid residue is found in multiple mammalian species, which suggests that this missense change does not adversely affect protein function. In summary, the available evidence is currently insufficient to determine the role of this variant in disease. Therefore, it has been classified as a Variant of Uncertain Significance.

Blueprint Genetics
Classification: Likely benign. Last evaluated: 2021-11-24. Review status: criteria provided, single submitter. Criteria: ACMG Guidelines, 2015. Collection method: clinical testing. Allele origin: germline.